The following is an entry in ClinVar:

ClinVar aggregate classification (germline): Uncertain significance. Review status: criteria provided, multiple submitters, no conflicts (2 of 4 stars). 2 submissions from 2 submitters: Uncertain significance (2). Last evaluated 2025-07-25.

Conditions:
Pancreatic adenocarcinoma. Identifiers: MedGen C0281361, MONDO:0006047, HP:0006725.

Allele frequency attached by ClinVar (database versions not stated): gnomAD 0.00001; gnomAD exomes 0.00001.
gnomAD v4.1: 8 of 1,520,490 alleles (0.00053%); highest among the groups gnomAD compares: Middle Eastern, 0.022%; no homozygotes.

Submissions (2):

Labcorp Genetics (formerly Invitae), Labcorp
Classification: Uncertain significance for Pancreatic adenocarcinoma. Last evaluated: 2025-07-25. Review status: criteria provided, single submitter. Criteria: Invitae Variant Classification Sherloc (09022015). Collection method: clinical testing. Allele origin: germline.
Comment: This sequence change replaces proline, which is neutral and non-polar, with leucine, which is neutral and non-polar, at codon 111 of the PALLD protein (p.Pro111Leu). This variant is not present in population databases (gnomAD no frequency). This variant has not been reported in the literature in individuals affected with PALLD-related conditions. ClinVar contains an entry for this variant (Variation ID: 957317). An algorithm developed to predict the effect of missense changes on protein structure and function (PolyPhen-2) suggests that this variant is likely to be tolerated. In summary, the available evidence is currently insufficient to determine the role of this variant in disease. Therefore, it has been classified as a Variant of Uncertain Significance.

Ambry Genetics
Classification: Uncertain significance. Last evaluated: 2024-12-19. Review status: criteria provided, single submitter. Criteria: Ambry Variant Classification Scheme 2023. Collection method: clinical testing. Allele origin: germline.
Comment: The p.P111L variant (also known as c.332C>T), located in coding exon 1 of the PALLD gene, results from a C to T substitution at nucleotide position 332. The proline at codon 111 is replaced by leucine, an amino acid with similar properties. This amino acid position is conserved. In addition, this alteration is predicted to be tolerated by in silico analysis. Based on the available evidence, the clinical significance of this variant remains unclear.

NM_001166108.2(PALLD):c.1965-12699C>T

Gene: PALLD (palladin, cytoskeletal associated protein; plus strand). Cytogenetic location: 4q32.3.
Variant type: single nucleotide variant.
Coding change: c.1965-12699C>T on transcript NM_001166108.2 (MANE Select); 12699 bases into the intron before coding-DNA position 1965, C replaced by T.
Molecular consequence: intron variant. On other transcripts: missense variant (1).
Genome position (GRCh38, 1-based): chr4:168,878,223, C>T. VCF-style: chr4-168878223-C-T. GRCh37 (hg19) VCF-style: chr4-169799374-C-T.
Other names: c.332C>T, p.Pro111Leu (NM_001166110.2); c.1965-12699C>T (NM_016081.4); c.819-12699C>T (NM_001166109.2); c.-157-12699C>T (NM_001367570.1, NM_001367568.1, NM_001367567.1 and 1 more transcripts); short protein forms P111L.
Identifiers: ClinVar variation 957317 (VCV000957317.12), dbSNP rs1752078030, ClinGen allele CA358796320.